The following is an entry in ClinVar:

ClinVar aggregate classification (germline): Uncertain significance (1 of 4 stars; one submission).

Conditions:
Cardiovascular phenotype. Identifiers: MedGen CN230736.

gnomAD v4.1: 1 of 1,548,882 alleles (0.000065%); highest among the groups gnomAD compares: Non-Finnish European, 0.000087%; no homozygotes.

Submission:

Ambry Genetics
Classification: Uncertain significance for Cardiovascular phenotype. Last evaluated: 2026-02-13. Review status: criteria provided, single submitter. Criteria: Ambry Variant Classification Scheme 2023. Collection method: clinical testing. Allele origin: germline.
Comment: The p.S839N variant (also known as c.2516G>A), located in coding exon 17 of the TRPM4 gene, results from a G to A substitution at nucleotide position 2516. The serine at codon 839 is replaced by asparagine, an amino acid with highly similar properties. This amino acid position is not well conserved in available vertebrate species. In addition, this alteration is predicted to be tolerated by in silico analysis. Based on the available evidence, the clinical significance of this variant remains unclear. Based on the available evidence, the clinical significance of this variant remains unclear.

NM_017636.4(TRPM4):c.2516G>A (p.Ser839Asn)

Gene: TRPM4 (transient receptor potential cation channel subfamily M member 4; plus strand). Cytogenetic location: 19q13.33.
Variant type: single nucleotide variant.
Coding change: c.2516G>A on transcript NM_017636.4 (MANE Select); coding-DNA position 2516, G replaced by A.
Protein change: p.Ser839Asn; replaces serine 839 with asparagine.
Molecular consequence: missense variant. On other transcripts: intron variant (1).
Genome position (GRCh38, 1-based): chr19:49,196,745, G>A. VCF-style: chr19-49196745-G-A. GRCh37 (hg19) VCF-style: chr19-49700002-G-A.
Other names: c.2171G>A, p.Ser724Asn (NM_001321281.2); c.908G>A, p.Ser303Asn (NM_001321282.2); c.1994G>A, p.Ser665Asn (NM_001321283.2); c.1454G>A, p.Ser485Asn (NM_001321285.2); c.2211-3555G>A (NM_001195227.2); short protein forms S303N, S665N, S724N, S839N, S485N.
Identifiers: ClinVar variation 4844629 (VCV004844629.1).
Genomic context (GRCh38, chr19:49,196,745, plus strand): 5'-TCTGGGCTTTCACGCTGCTGTGCGAGGAACTGCGCCAGGGCCTGAGCGGAGGCGGGGGCA[G>A]CCTCGCCAGCGGGGGCCCCGGGCCTGGCCATGCCTCACTGAGCCAGCGCCTGCGCCTCTA-3'
Protein context (NP_060106.2, residues 829-849): LRQGLSGGGG[Ser839Asn]LASGGPGPGH